The following is an entry in ClinVar:

ClinVar aggregate classification (germline): Uncertain significance (1 of 4 stars; one submission).

Conditions:
Thrombophilia due to protein S deficiency, autosomal recessive (THPH6). Identifiers: Orphanet 743, MedGen C3281092, MONDO:0013791, OMIM 614514. Disease mechanism: loss of function.

Submission:

Labcorp Genetics (formerly Invitae), Labcorp
Classification: Uncertain significance for Thrombophilia due to protein S deficiency, autosomal recessive. Last evaluated: 2023-05-12. Review status: criteria provided, single submitter. Criteria: Invitae Variant Classification Sherloc (09022015). Collection method: clinical testing. Allele origin: germline.
Comment: In summary, the available evidence is currently insufficient to determine the role of this variant in disease. Therefore, it has been classified as a Variant of Uncertain Significance. Algorithms developed to predict the effect of sequence changes on RNA splicing suggest that this variant may disrupt the consensus splice site. Advanced modeling of protein sequence and biophysical properties (such as structural, functional, and spatial information, amino acid conservation, physicochemical variation, residue mobility, and thermodynamic stability) performed at Invitae indicates that this missense variant is not expected to disrupt PROS1 protein function. This variant has not been reported in the literature in individuals affected with PROS1-related conditions. This variant is not present in population databases (gnomAD no frequency). This sequence change replaces leucine, which is neutral and non-polar, with proline, which is neutral and non-polar, at codon 575 of the PROS1 protein (p.Leu575Pro).

NM_000313.4(PROS1):c.1724T>C (p.Leu575Pro)

Gene: PROS1 (protein S; minus strand). Cytogenetic location: 3q11.1.
Variant type: single nucleotide variant.
Coding change: c.1724T>C on transcript NM_000313.4 (MANE Select); coding-DNA position 1724, T replaced by C.
Protein change: p.Leu575Pro; replaces leucine 575 with proline.
Molecular consequence: missense variant.
Genome position (GRCh38, 1-based): chr3:93,877,112, A>G on the plus strand (T>C on the coding strand, the complement: PROS1 is on the minus strand). VCF-style: chr3-93877112-A-G. GRCh37 (hg19) VCF-style: chr3-93595956-A-G.
Other names: c.1820T>C, p.Leu607Pro (NM_001314077.2); short protein forms L575P, L607P.
Identifiers: ClinVar variation 2905156 (VCV002905156.3), dbSNP rs2472104578, ClinGen allele CA353671256.
Genomic context (GRCh38, chr3:93,877,112, plus strand): 5'-ATGGTTTCTATTTTAAGTGGTGTCGACAACTCCAGATTGTTTCTGTTGACTCTAAATTCC[A>G]GATGAGATTGTTGATCGGAACATAGACTTAGGGCCTGTATCCGATATATTACAGTATTTT-3'
Protein context (NP_000304.2, residues 565-585): LSLCSDQQSH[Leu575Pro]EFRVNRNNLE